The following is an entry in ClinVar:

ClinVar aggregate classification (germline): Uncertain significance (1 of 4 stars; one submission).

Submission:

GeneDx
Classification: Uncertain significance. Last evaluated: 2019-10-08. Review status: criteria provided, single submitter. Criteria: GeneDx Variant Classification Process June 2021. Collection method: clinical testing. Allele origin: germline. Affected: yes.
Comment: Not observed in large population cohorts (Lek 2016); In silico analysis, which includes protein predictors and evolutionary conservation, supports that this variant does not alter protein structure/function; Has not been previously published as pathogenic or benign to our knowledge

NM_000051.4(ATM):c.6767T>A (p.Val2256Glu)

Genes: ATM (ATM serine/threonine kinase; plus strand), C11orf65 (chromosome 11 open reading frame 65; minus strand). Cytogenetic location: 11q22.3.
Variant type: single nucleotide variant.
Coding change: c.6767T>A on transcript NM_000051.4 (MANE Select); coding-DNA position 6767, T replaced by A.
Protein change: p.Val2256Glu; replaces valine 2256 with glutamic acid.
Molecular consequence: missense variant. On other transcripts: intron variant (2).
Genome position (GRCh38, 1-based): chr11:108,325,504, T>A. VCF-style: chr11-108325504-T-A. GRCh37 (hg19) VCF-style: chr11-108196231-T-A.
Other names: c.6767T>A, p.Val2256Glu (NM_001351834.2); c.641-16433A>T (NM_001330368.2); c.*38+9716A>T (NM_001351110.2); short protein forms V2256E.
Identifiers: ClinVar variation 1309299 (VCV001309299.4), dbSNP rs2136317245, ClinGen allele CA382555385.